The following is an entry in ClinVar:

ClinVar aggregate classification (germline): Benign. Review status: criteria provided, multiple submitters, no conflicts (2 of 4 stars). 2 submissions from 2 submitters: Benign (2). Last evaluated 2018-06-18.

Allele frequency attached by ClinVar (database versions not stated): gnomAD 0.18128 and 0.18181; TOPMed 0.20179; 1000 Genomes Project 0.28794; 1000 Genomes Project 30x 0.29091.
gnomAD v4.1: 124,113 of 1,505,208 alleles (8.2%); highest among the groups gnomAD compares: African/African-American, 47%; 13,991 homozygotes.

Submissions (2):

GeneDx
Classification: Benign. Last evaluated: 2018-06-18. Review status: criteria provided, single submitter. Criteria: GeneDx Variant Classification (06012015). Collection method: clinical testing. Allele origin: germline. Affected: yes.
Comment: This variant is considered likely benign or benign based on one or more of the following criteria: it is a conservative change, it occurs at a poorly conserved position in the protein, it is predicted to be benign by multiple in silico algorithms, and/or has population frequency not consistent with disease.

Breakthrough Genomics
Classification: Benign. Review status: criteria provided, single submitter. Criteria: ACMG Guidelines, 2015. Collection method: not provided. Allele origin: germline. Inheritance: Autosomal dominant inheritance. Affected: yes.

NM_001458.5(FLNC):c.5843-87G>A

Genes: FLNC (filamin C; plus strand), FLNC-AS1 (FLNC antisense RNA 1; minus strand). Cytogenetic location: 7q32.1.
Variant type: single nucleotide variant.
Coding change: c.5843-87G>A on transcript NM_001458.5 (MANE Select); 87 bases into the intron before coding-DNA position 5843, G replaced by A.
Molecular consequence: intron variant.
Genome position (GRCh38, 1-based): chr7:128,852,504, G>A. VCF-style: chr7-128852504-G-A. GRCh37 (hg19) VCF-style: chr7-128492558-G-A.
Other names: c.5744-87G>A (NM_001127487.2).
Identifiers: ClinVar variation 681837 (VCV000681837.2), dbSNP rs61191534, ClinGen allele CA12619183.